The following is an entry in ClinVar:

NM_005529.7(HSPG2):c.8488C>A (p.Arg2830Ser)

Gene: HSPG2 (heparan sulfate proteoglycan 2; minus strand). Cytogenetic location: 1p36.12.
Variant type: single nucleotide variant.
Coding change: c.8488C>A on transcript NM_005529.7 (MANE Select); coding-DNA position 8488, C replaced by A.
Protein change: p.Arg2830Ser; replaces arginine 2830 with serine.
Molecular consequence: missense variant.
Genome position (GRCh38, 1-based): chr1:21,844,276, G>T on the plus strand (C>A on the coding strand, the complement: HSPG2 is on the minus strand). VCF-style: chr1-21844276-G-T. GRCh37 (hg19) VCF-style: chr1-22170769-G-T.
Other names: c.8491C>A, p.Arg2831Ser (NM_001291860.2); short protein forms R2830S, R2831S.
Identifiers: ClinVar variation 4537624 (VCV004537624.1).
Genomic context (GRCh38, chr1:21,844,276, plus strand): 5'-CCACGCACTTCAGATCCAGGGTCTGCCCTTCTGCCACTCGGGAGGAGGAGGGCTCGATGC[G>T]GATGGGTGGGGCTCCACCTGGGGCTGGGGCACAGGGGAGAGGTCAGTGAGCTGAGATGCC-3'
Protein context (NP_005520.4, residues 2820-2840): VPAPGGAPPI[Arg2830Ser]IEPSSSRVAE

ClinVar aggregate classification (germline): Uncertain significance (1 of 4 stars; one submission).

Submission:

GeneDx
Classification: Uncertain significance. Last evaluated: 2025-06-11. Review status: criteria provided, single submitter. Criteria: GeneDx Variant Classification Process June 2021. Collection method: clinical testing. Allele origin: germline. Affected: yes.
Comment: Not observed at significant frequency in large population cohorts (gnomAD); In silico analysis suggests that this missense variant does not alter protein structure/function; Has not been previously published as pathogenic or benign to our knowledge